The following is an entry in ClinVar:

NM_007294.4(BRCA1):c.2467A>G (p.Arg823Gly)

Gene: BRCA1 (BRCA1 DNA repair associated; minus strand). Cytogenetic location: 17q21.31.
Variant type: single nucleotide variant.
Coding change: c.2467A>G on transcript NM_007294.4 (MANE Select); coding-DNA position 2467, A replaced by G.
Protein change: p.Arg823Gly; replaces arginine 823 with glycine.
Molecular consequence: missense variant. On other transcripts: intron variant (137).
Genome position (GRCh38, 1-based): chr17:43,093,064, T>C on the plus strand (A>G on the coding strand, the complement: BRCA1 is on the minus strand). VCF-style: chr17-43093064-T-C. GRCh37 (hg19) VCF-style: chr17-41245081-T-C.
Other names: c.2326A>G, p.Arg776Gly (NM_001407944.1, NM_001407945.1, NM_007297.4 and 29 more transcripts); c.2134A>G, p.Arg712Gly (NM_001407946.1, NM_001407947.1, NM_001407948.1 and 6 more transcripts); c.2131A>G, p.Arg711Gly (NM_001407958.1, NM_001407954.1, NM_001407955.1 and 1 more transcripts); c.2086A>G, p.Arg696Gly (NM_001407959.1, NM_001407960.1, NM_001407963.1); c.2083A>G, p.Arg695Gly (NM_001407962.1); c.2323A>G, p.Arg775Gly (NM_001407964.1, NM_001407740.1, NM_001407741.1 and 20 more transcripts); c.1963A>G, p.Arg655Gly (NM_001407965.1); c.1579A>G, p.Arg527Gly (NM_001407966.1, NM_001407967.1); and 41 more; short protein forms R527G, R655G, R695G, R696G, R711G, R712G, R734G, R735G.
Identifiers: ClinVar variation 4856561 (VCV004856561.1).

ClinVar aggregate classification (germline): Likely benign (1 of 4 stars; one submission).

Conditions:
Breast-ovarian cancer, familial, susceptibility to, 1 (BROVCA1). Also called: OVARIAN CANCER, SUSCEPTIBILITY TO; BRCA1 Hereditary Breast and Ovarian Cancer. Identifiers: Orphanet 145, MedGen C2676676, MONDO:0011450, OMIM 604370. Disease mechanism: loss of function.

gnomAD v4.1: 1 of 1,613,878 alleles (0.000062%); highest among the groups gnomAD compares: Non-Finnish European, 0.000085%; no homozygotes.

Submission:

Cancer Bioinformatics and Tumour Evolution Laboratory, Monash University
Classification: Likely benign for Breast-ovarian cancer, familial, susceptibility to, 1. Last evaluated: 2026-05-01. Review status: criteria provided, single submitter. Criteria: ClinGen BRCA1 and BRCA2 Guidelines, 2024. Collection method: curation. Allele origin: germline. Inheritance: Autosomal dominant inheritance.
Comment: Missense variant outside of a functional domain with no splice impact. BRCA1 and BRCA2 VCEP guidelines recommend application of BP1_Strong (PMID: 39142283)